The following is an entry in ClinVar:

ClinVar aggregate classification (germline): Uncertain significance. Review status: criteria provided, multiple submitters, no conflicts (2 of 4 stars). 2 submissions from 2 submitters: Uncertain significance (2). Last evaluated 2022-07-12.

Conditions:
Inborn genetic diseases. Identifiers: MedGen C0950123, MeSH D030342.

Allele frequency attached by ClinVar (database versions not stated): TOPMed 0.00003; 1000 Genomes Project 30x 0.00016; 1000 Genomes Project 0.00020.
gnomAD v4.1: 37 of 1,613,966 alleles (0.0023%); highest among the groups gnomAD compares: Admixed American, 0.0067%; no homozygotes.

Submissions (2):

Labcorp Genetics (formerly Invitae), Labcorp
Classification: Uncertain significance. Last evaluated: 2022-07-12. Review status: criteria provided, single submitter. Criteria: Invitae Variant Classification Sherloc (09022015). Collection method: clinical testing. Allele origin: germline.
Comment: This sequence change replaces glycine, which is neutral and non-polar, with alanine, which is neutral and non-polar, at codon 2302 of the FAT4 protein (p.Gly2302Ala). This variant is present in population databases (rs143204873, gnomAD 0.009%). This variant has not been reported in the literature in individuals affected with FAT4-related conditions. ClinVar contains an entry for this variant (Variation ID: 1495606). Advanced modeling of protein sequence and biophysical properties (such as structural, functional, and spatial information, amino acid conservation, physicochemical variation, residue mobility, and thermodynamic stability) performed at Invitae indicates that this missense variant is not expected to disrupt FAT4 protein function. In summary, the available evidence is currently insufficient to determine the role of this variant in disease. Therefore, it has been classified as a Variant of Uncertain Significance.

Ambry Genetics
Classification: Uncertain significance for Inborn genetic diseases. Last evaluated: 2022-01-18. Review status: criteria provided, single submitter. Criteria: Ambry Variant Classification Scheme 2023. Collection method: clinical testing. Allele origin: germline.

NM_001291303.3(FAT4):c.6905G>C (p.Gly2302Ala)

Gene: FAT4 (FAT atypical cadherin 4; plus strand). Cytogenetic location: 4q28.1.
Variant type: single nucleotide variant.
Coding change: c.6905G>C on transcript NM_001291303.3 (MANE Select); coding-DNA position 6905, G replaced by C.
Protein change: p.Gly2302Ala; replaces glycine 2302 with alanine.
Molecular consequence: missense variant.
Genome position (GRCh38, 1-based): chr4:125,416,509, G>C. VCF-style: chr4-125416509-G-C. GRCh37 (hg19) VCF-style: chr4-126337664-G-C.
Other names: c.6905G>C, p.Gly2302Ala (NM_001291285.3, NM_024582.6); c.6905G>C (NM_024582.4); short protein forms G2302A.
Identifiers: ClinVar variation 1495606 (VCV001495606.4), dbSNP rs143204873, ClinGen allele CA3073022.
Genomic context (GRCh38, chr4:125,416,509, plus strand): 5'-TGGTGGCAAGAGATGATGATCGAGGATCTAACAGCAAACTCTCATATGTTCTGTTTGGTG[G>C]TAATGAAGACAATGCTTTTACTCTCTCAGCCAGTGGAGAACTTGGAGTAACACAGAGTCT-3'
Protein context (NP_001278232.1, residues 2292-2312): NSKLSYVLFG[Gly2302Ala]NEDNAFTLSA